The following is an entry in ClinVar:

ClinVar aggregate classification (germline): Uncertain significance (1 of 4 stars; one submission).

Submission:

Greenwood Genetic Center Diagnostic Laboratories, Greenwood Genetic Center
Classification: Uncertain significance. Last evaluated: 2021-06-08. Review status: criteria provided, single submitter. Criteria: ACMG Guidelines, 2015. Collection method: clinical testing. Allele origin: germline. Affected: yes.
Comment: PM2, PP2

NM_001111125.3(IQSEC2):c.4372C>A (p.His1458Asn)

Gene: IQSEC2 (IQ motif and Sec7 domain ArfGEF 2; minus strand). Cytogenetic location: Xp11.22.
Variant type: single nucleotide variant.
Coding change: c.4372C>A on transcript NM_001111125.3 (MANE Select); coding-DNA position 4372, C replaced by A.
Protein change: p.His1458Asn; replaces histidine 1458 with asparagine.
Molecular consequence: missense variant. On other transcripts: 3 prime UTR variant (1).
Genome position (GRCh38, 1-based): chrX:53,234,314, G>T on the plus strand (C>A on the coding strand, the complement: IQSEC2 is on the minus strand). VCF-style: chrX-53234314-G-T. GRCh37 (hg19) VCF-style: chrX-53263496-G-T.
Other names: c.*857C>A (NM_015075.2); short protein forms H1458N.
Identifiers: ClinVar variation 1334478 (VCV001334478.4), dbSNP rs2147000170, ClinGen allele CA413138523.